The following is an entry in ClinVar:

ClinVar aggregate classification (germline): Uncertain significance (1 of 4 stars; one submission).

Conditions:
Hereditary cancer-predisposing syndrome. Also called: Neoplastic Syndromes, Hereditary; Tumor predisposition; Hereditary Cancer Syndrome; Hereditary neoplastic syndrome. Identifiers: Orphanet 140162, MedGen C0027672, MeSH D009386, MONDO:0015356.

Submission:

Ambry Genetics
Classification: Uncertain significance for Hereditary cancer-predisposing syndrome. Last evaluated: 2022-04-13. Review status: criteria provided, single submitter. Criteria: Ambry Variant Classification Scheme 2023. Collection method: clinical testing. Allele origin: germline.
Comment: The c.1008_1009delAAinsTC variant (also known as p.T337P), located in coding exon 9 of the NBN gene, results from an in-frame deletion of AA and insertion of TC at nucleotide positions 1008 to 1009. This results in the substitution of the threonine residue for a proline residue at codon 337, an amino acid with highly similar properties. This amino acid position is well conserved in available vertebrate species. In addition, this alteration is predicted to be neutral by in silico analysis (Choi Y et al. PLoS ONE. 2012; 7(10):e46688). Since supporting evidence is limited at this time, the clinical significance of this alteration remains unclear.

NM_002485.5(NBN):c.1008_1009delinsTC (p.Thr337Pro)

Gene: NBN (nibrin; minus strand). Cytogenetic location: 8q21.3.
Variant type: Indel.
Coding change: c.1008_1009delinsTC on transcript NM_002485.5 (MANE Select); coding-DNA positions 1008 to 1009, AA replaced by TC.
Protein change: p.Thr337Pro; replaces threonine 337 with proline.
Molecular consequence: missense variant.
Genome position (GRCh38, 1-based): chr8:89,958,840-89,958,841, TT replaced by GA on the plus strand (AA replaced by TC on the coding strand, the reverse complement: NBN is on the minus strand). VCF-style: chr8-89958840-TT-GA. GRCh37 (hg19) VCF-style: chr8-90971068-TT-GA.
Other names: c.762_763delinsTC, p.Thr255Pro (NM_001024688.3); short protein forms T337P, T255P.
Identifiers: ClinVar variation 1788451 (VCV001788451.2), dbSNP rs2488261421, ClinGen allele CA2580079184.